The following is an entry in ClinVar:

ClinVar aggregate classification (germline): Pathogenic (3 of 4 stars; one submission).

Conditions:
Breast-ovarian cancer, familial, susceptibility to, 2 (BROVCA2). Also called: BRCA2 Hereditary Breast and Ovarian Cancer. Identifiers: Orphanet 145, MedGen C2675520, MONDO:0012933, OMIM 612555. Disease mechanism: loss of function.

Submission:

Evidence-based Network for the Interpretation of Germline Mutant Alleles (ENIGMA)
Classification: Pathogenic for Breast-ovarian cancer, familial, susceptibility to, 2. Last evaluated: 2017-12-15. Review status: reviewed by expert panel. Criteria: ENIGMA BRCA1/2 Classification Criteria (2017-06-29). Collection method: curation. Allele origin: germline. Study: ENIGMA.
Comment: Variant allele predicted to encode a truncated non-functional protein.

NM_000059.4(BRCA2):c.7308del (p.Asn2436fs)

Gene: BRCA2 (BRCA2 DNA repair associated; plus strand). Cytogenetic location: 13q13.1.
Variant type: Deletion.
Coding change: c.7308del on transcript NM_000059.4 (MANE Select); coding-DNA position 7308, one base deleted (C; older notation c.7308delC).
Protein change: p.Asn2436fs; shifts the reading frame from asparagine 2436.
Molecular consequence: frameshift variant.
Genome position (GRCh38, 1-based): chr13:32,355,161, C deleted. VCF-style (leftmost placement, unchanged base first): chr13-32355160-AC-A. GRCh37 (hg19) VCF-style: chr13-32929297-AC-A.
Other names: c.7308delC (NM_000059.3); short protein forms N2436fs.
Identifiers: ClinVar variation 548398 (VCV000548398.3), dbSNP rs1555286075, ClinGen allele CA658823725.
Genomic context (GRCh38, chr13:32,355,160, plus strand): 5'-TTCACAGAGTTGAACAGTGTGTTAGGAATATTAACTTGGAGGAAAACAGACAAAAGCAAA[AC>A]ATTGATGGACATGGCTCTGATGATAGTAAAAATAAGATTAATGACAATGAGATTCATCAG-3'